The following is an entry in ClinVar:

ClinVar aggregate classification (germline): Uncertain significance (1 of 4 stars; one submission).

Conditions:
Autosomal recessive distal spinal muscular atrophy 1. Also called: Spinal muscular atrophy with respiratory distress 1; NEURONOPATHY, SEVERE INFANTILE AXONAL, WITH RESPIRATORY FAILURE; SEVERE INFANTILE AXONAL NEUROPATHY WITH RESPIRATORY FAILURE; SPINAL MUSCULAR ATROPHY, DIAPHRAGMATIC; NEURONOPATHY, DISTAL HEREDITARY MOTOR, HARDING TYPE VI; NEUROPATHY, DISTAL HEREDITARY MOTOR, AUTOSOMAL RECESSIVE 1. Identifiers: Orphanet 98920, MedGen C1858517, MONDO:0011436, OMIM 604320.
Charcot-Marie-Tooth disease axonal type 2S. Also called: CHARCOT-MARIE-TOOTH NEUROPATHY, TYPE 2S; CHARCOT-MARIE-TOOTH DISEASE, AXONAL, AUTOSOMAL RECESSIVE, TYPE 2S. Identifiers: Orphanet 443073, MedGen C4015349, MONDO:0014511, OMIM 616155.

Submission:

Labcorp Genetics (formerly Invitae), Labcorp
Classification: Uncertain significance for Autosomal recessive distal spinal muscular atrophy 1; Charcot-Marie-Tooth disease axonal type 2S. Last evaluated: 2024-10-29. Review status: criteria provided, single submitter. Criteria: Invitae Variant Classification Sherloc (09022015). Collection method: clinical testing. Allele origin: germline.
Comment: This sequence change replaces threonine, which is neutral and polar, with serine, which is neutral and polar, at codon 107 of the IGHMBP2 protein (p.Thr107Ser). This variant is not present in population databases (gnomAD no frequency). This variant has not been reported in the literature in individuals affected with IGHMBP2-related conditions. ClinVar contains an entry for this variant (Variation ID: 569318). Invitae Evidence Modeling of protein sequence and biophysical properties (such as structural, functional, and spatial information, amino acid conservation, physicochemical variation, residue mobility, and thermodynamic stability) indicates that this missense variant is not expected to disrupt IGHMBP2 protein function with a negative predictive value of 95%. In summary, the available evidence is currently insufficient to determine the role of this variant in disease. Therefore, it has been classified as a Variant of Uncertain Significance.

NM_002180.3(IGHMBP2):c.320C>G (p.Thr107Ser)

Gene: IGHMBP2 (immunoglobulin mu DNA binding protein 2; plus strand). Cytogenetic location: 11q13.3.
Variant type: single nucleotide variant.
Coding change: c.320C>G on transcript NM_002180.3 (MANE Select); coding-DNA position 320, C replaced by G.
Protein change: p.Thr107Ser; replaces threonine 107 with serine.
Molecular consequence: missense variant.
Genome position (GRCh38, 1-based): chr11:68,908,208, C>G. VCF-style: chr11-68908208-C-G. GRCh37 (hg19) VCF-style: chr11-68675676-C-G.
Other names: short protein forms T107S.
Identifiers: ClinVar variation 569318 (VCV000569318.6), dbSNP rs767244307, ClinGen allele CA381643133.
Genomic context (GRCh38, chr11:68,908,208, plus strand): 5'-ATATCGTGGGCCTGTACGATGCTGCTAATGAGGGCAGTCAGCTGGCCACTGGGATCTTGA[C>G]CCGGGTCACCCAGAAGTCGGTCACGGTGGCCTTTGATGAGTCCCACGATTTCCAGTTGAG-3'
Protein context (NP_002171.2, residues 97-117): EGSQLATGIL[Thr107Ser]RVTQKSVTVA